The following is an entry in ClinVar:

NM_152743.4(BRAT1):c.115G>C (p.Val39Leu)

Gene: BRAT1 (BRCA1 associated ATM activator 1; minus strand). Cytogenetic location: 7p22.3.
Variant type: single nucleotide variant.
Coding change: c.115G>C on transcript NM_152743.4 (MANE Select); coding-DNA position 115, G replaced by C.
Protein change: p.Val39Leu; replaces valine 39 with leucine.
Molecular consequence: missense variant. On other transcripts: 5 prime UTR variant (1), non-coding transcript variant (1).
Genome position (GRCh38, 1-based): chr7:2,554,317, C>G on the plus strand (G>C on the coding strand, the complement: BRAT1 is on the minus strand). VCF-style: chr7-2554317-C-G. GRCh37 (hg19) VCF-style: chr7-2593951-C-G.
Other names: c.115G>C, p.Val39Leu (NM_001350626.2); c.-263G>C (NM_001350627.2); short protein forms V39L.
Identifiers: ClinVar variation 1354618 (VCV001354618.8), dbSNP rs1268088495, ClinGen allele CA366633417.

ClinVar aggregate classification (germline): Uncertain significance (1 of 4 stars; one submission).

Conditions:
Neonatal-onset encephalopathy with rigidity and seizures. Also called: Lethal neonatal spasticity-epileptic encephalopathy syndrome. Identifiers: Orphanet 435845, MedGen C3281029, MONDO:0013784, OMIM 614498.

Submission:

Labcorp Genetics (formerly Invitae), Labcorp
Classification: Uncertain significance for Neonatal-onset encephalopathy with rigidity and seizures. Last evaluated: 2021-12-02. Review status: criteria provided, single submitter. Criteria: Invitae Variant Classification Sherloc (09022015). Collection method: clinical testing. Allele origin: germline.
Comment: In summary, the available evidence is currently insufficient to determine the role of this variant in disease. Therefore, it has been classified as a Variant of Uncertain Significance. This sequence change replaces valine, which is neutral and non-polar, with leucine, which is neutral and non-polar, at codon 39 of the BRAT1 protein (p.Val39Leu). This variant is not present in population databases (gnomAD no frequency). This variant has not been reported in the literature in individuals affected with BRAT1-related conditions. Algorithms developed to predict the effect of missense changes on protein structure and function output the following: SIFT: "Tolerated"; PolyPhen-2: "Benign"; Align-GVGD: "Class C0". The leucine amino acid residue is found in multiple mammalian species, which suggests that this missense change does not adversely affect protein function.